The following is an entry in ClinVar:

ClinVar aggregate classification (germline): Conflicting classifications of pathogenicity. Review status: criteria provided, conflicting classifications (1 of 4 stars). 11 submissions from 11 submitters: Uncertain significance (1); Benign (3); Likely benign (6). 1 of the submissions does not count toward it. Last evaluated 2026-02-01.

Conditions:
Connective tissue disorder. Also called: Connective tissue disease. Identifiers: MedGen C0009782, MONDO:0003900.
Familial thoracic aortic aneurysm and aortic dissection (TAAD). Also called: Thoracic aortic aneurysms and dissections. Identifiers: Orphanet 91387, MedGen C4707243, MONDO:0019625.
Marfan syndrome (MFS). Also called: Marfan syndrome type 1; Marfan's syndrome; FBN1-Related Marfan Syndrome; MARFAN SYNDROME, TYPE I; Marfan syndrome, classic. Identifiers: Orphanet 284963, Orphanet 558, MedGen C0024796, MONDO:0007947, OMIM 154700.
FBN1-related disorder. Also called: FBN1-related disorders.

Allele frequency attached by ClinVar (database versions not stated): TOPMed 0.00004; ExAC 0.00007; gnomAD exomes 0.00013.
gnomAD v4.1: 138 of 1,613,288 alleles (0.0086%); highest among the groups gnomAD compares: South Asian, 0.11%; 1 homozygote.

Submissions (11):

CeGaT Center for Human Genetics Tuebingen
Classification: Likely benign. Last evaluated: 2026-02-01. Review status: criteria provided, single submitter. Criteria: CeGaT Center For Human Genetics Tuebingen Variant Classification Criteria Version 2. Collection method: clinical testing. Allele origin: germline. Affected: yes. Observed: 1 variant allele.
Comment: FBN1: BP4, BP7

Labcorp Genetics (formerly Invitae), Labcorp
Classification: Likely benign for Marfan syndrome; Familial thoracic aortic aneurysm and aortic dissection. Last evaluated: 2026-01-08. Review status: criteria provided, single submitter. Criteria: Invitae Variant Classification Sherloc (09022015). Collection method: clinical testing. Allele origin: germline.

Women's Health and Genetics/Laboratory Corporation of America, LabCorp
Classification: Benign. Last evaluated: 2025-07-16. Review status: criteria provided, single submitter. Criteria: LabCorp Variant Classification Summary - May 2015. Collection method: clinical testing. Allele origin: germline.

All of Us Research Program, National Institutes of Health
Classification: Benign for Marfan syndrome. Last evaluated: 2024-09-23. Review status: criteria provided, single submitter. Criteria: ACMG Guidelines, 2015. Collection method: clinical testing. Allele origin: germline. Inheritance: Autosomal dominant inheritance. Observed: 19 variant alleles, 19 heterozygotes.
Comment: This study involves interpretation of variants in research participants for the purpose of population health screening. Participant phenotype was not available at the time of variant classification. Additional details can be found in publication PMID: 35346344, PMCID: PMC8962531

Blueprint Genetics
Classification: Likely benign. Last evaluated: 2023-11-28. Review status: criteria provided, single submitter. Criteria: ACMG Guidelines, 2015. Collection method: clinical testing. Allele origin: germline.

Genome Diagnostics Laboratory, The Hospital for Sick Children
Classification: Uncertain significance for Connective tissue disorder. Last evaluated: 2020-01-01. Review status: criteria provided, single submitter. Criteria: ACMG Guidelines, 2015. Collection method: clinical testing. Allele origin: germline.

Ambry Genetics
Classification: Likely benign for Familial thoracic aortic aneurysm and aortic dissection. Last evaluated: 2019-10-31. Review status: criteria provided, single submitter. Criteria: Ambry Variant Classification Scheme 2023. Collection method: clinical testing. Allele origin: germline.

Color Diagnostics, LLC DBA Color Health
Classification: Benign for Familial thoracic aortic aneurysm and aortic dissection. Last evaluated: 2019-03-08. Review status: criteria provided, single submitter. Criteria: ACMG Guidelines, 2015. Collection method: clinical testing. Allele origin: germline.

CHEO Genetics Diagnostic Laboratory, Children's Hospital of Eastern Ontario
Classification: Likely benign for Familial thoracic aortic aneurysm and aortic dissection. Last evaluated: 2016-10-03. Review status: criteria provided, single submitter. Criteria: ACMG Guidelines, 2015. Collection method: clinical testing. Allele origin: germline. Study: Canadian Open Genetics Repository.

GeneDx
Classification: Likely benign. Last evaluated: 2016-08-08. Review status: criteria provided, single submitter. Criteria: GeneDx Variant Classification (06012015). Collection method: clinical testing. Allele origin: germline. Affected: yes.
Comment: This variant is considered likely benign or benign based on one or more of the following criteria: it is a conservative change, it occurs at a poorly conserved position in the protein, it is predicted to be benign by multiple in silico algorithms, and/or has population frequency not consistent with disease.

PreventionGenetics, part of Exact Sciences
Classification: Likely benign for FBN1-related condition. Last evaluated: 2019-10-28. Review status: no assertion criteria provided. Collection method: clinical testing. Allele origin: germline. Not counted in ClinVar's aggregate classification.
Comment: This variant is classified as likely benign based on ACMG/AMP sequence variant interpretation guidelines (Richards et al. 2015 PMID: 25741868, with internal and published modifications).

NM_000138.5(FBN1):c.6054C>T (p.Val2018=)

Gene: FBN1 (fibrillin 1; minus strand). Cytogenetic location: 15q21.1.
Variant type: single nucleotide variant.
Coding change: c.6054C>T on transcript NM_000138.5 (MANE Select); coding-DNA position 6054, C replaced by T.
Protein change: p.Val2018=; no amino-acid change (valine 2018 retained).
Molecular consequence: synonymous variant.
Genome position (GRCh38, 1-based): chr15:48,441,830, G>A on the plus strand (C>T on the coding strand, the complement: FBN1 is on the minus strand). VCF-style: chr15-48441830-G-A. GRCh37 (hg19) VCF-style: chr15-48734027-G-A.
Identifiers: ClinVar variation 388482 (VCV000388482.54), dbSNP rs542953863, ClinGen allele CA056184.